The following is an entry in ClinVar:

NM_005732.4(RAD50):c.2173C>T (p.Arg725Trp)

Gene: RAD50 (RAD50 double strand break repair protein; plus strand). Cytogenetic location: 5q31.1.
Variant type: single nucleotide variant.
Coding change: c.2173C>T on transcript NM_005732.4 (MANE Select); coding-DNA position 2173, C replaced by T.
Protein change: p.Arg725Trp; replaces arginine 725 with tryptophan.
Molecular consequence: missense variant.
Genome position (GRCh38, 1-based): chr5:132,595,776, C>T. VCF-style: chr5-132595776-C-T. GRCh37 (hg19) VCF-style: chr5-131931468-C-T.
Other names: short protein forms R725W.
Identifiers: ClinVar variation 142505 (VCV000142505.19), dbSNP rs369560280, ClinGen allele CA168541.

ClinVar aggregate classification (germline): Conflicting classifications of pathogenicity. Review status: criteria provided, conflicting classifications (1 of 4 stars). 4 submissions from 4 submitters: Uncertain significance (3); Likely benign (1). Last evaluated 2025-12-23.

Conditions:
Hereditary cancer-predisposing syndrome. Also called: Hereditary Cancer Syndrome; Neoplastic Syndromes, Hereditary; Hereditary neoplastic syndrome; Tumor predisposition. Identifiers: Orphanet 140162, MedGen C0027672, MeSH D009386, MONDO:0015356.

Allele frequency attached by ClinVar (database versions not stated): gnomAD 0.00005 and 0.00006; gnomAD exomes 0.00005 and 0.00022; ESP Exome Variant Server 0.00008; ExAC 0.00014; TOPMed 0.00018.
gnomAD v4.1: 81 of 1,612,366 alleles (0.005%); highest among the groups gnomAD compares: Admixed American, 0.11%; no homozygotes.

Submissions (4):

Labcorp Genetics (formerly Invitae), Labcorp
Classification: Uncertain significance for Hereditary cancer-predisposing syndrome. Last evaluated: 2025-12-23. Review status: criteria provided, single submitter. Criteria: Invitae Variant Classification Sherloc (09022015). Collection method: clinical testing. Allele origin: germline.
Comment: This sequence change replaces arginine, which is basic and polar, with tryptophan, which is neutral and slightly polar, at codon 725 of the RAD50 protein (p.Arg725Trp). This variant is present in population databases (rs369560280, gnomAD 0.2%). This missense change has been observed in individual(s) with breast and/or ovarian cancer (PMID: 24894818, 30262796). This missense change has been observed to co-occur in individuals with a different variant in RAD50 that has been determined to be pathogenic (internal data), but the significance of this finding is unclear. ClinVar contains an entry for this variant (Variation ID: 142505). Invitae Evidence Modeling of protein sequence and biophysical properties (such as structural, functional, and spatial information, amino acid conservation, physicochemical variation, residue mobility, and thermodynamic stability) indicates that this missense variant is expected to disrupt RAD50 protein function with a positive predictive value of 80%. In summary, the available evidence is currently insufficient to determine the role of this variant in disease. Therefore, it has been classified as a Variant of Uncertain Significance.

Women's Health and Genetics/Laboratory Corporation of America, LabCorp
Classification: Uncertain significance. Last evaluated: 2025-04-07. Review status: criteria provided, single submitter. Criteria: LabCorp Variant Classification Summary - May 2015. Collection method: clinical testing. Allele origin: germline.
Comment: Variant summary: RAD50 c.2173C>T (p.Arg725Trp) results in a non-conservative amino acid change in the encoded protein sequence. Four of five in-silico tools predict a damaging effect of the variant on protein function. The variant allele was found at a frequency of 0.00022 in 249438 control chromosomes. This frequency is not significantly higher than estimated for a pathogenic variant in RAD50 causing Nijmegen Breakage Syndrome-Like Disorder (0.00022 vs 0.0024), allowing no conclusion about variant significance. To our knowledge, c.2173C>T has not been reported in the literature in individuals affected with Nijmegen Breakage Syndrome-Like Disorder and no experimental evidence demonstrating an impact on protein function has been reported. The following publications have been ascertained in the context of this evaluation (PMID: 26787654, 24894818, 30665374, 30262796, 28102005). ClinVar contains an entry for this variant (Variation ID: 142505). Based on the evidence outlined above, the variant was classified as uncertain significance.

Quest Diagnostics Nichols Institute San Juan Capistrano
Classification: Uncertain significance. Last evaluated: 2024-11-05. Review status: criteria provided, single submitter. Criteria: Quest Diagnostics criteria. Collection method: clinical testing. Allele origin: unknown.
Comment: The RAD50 c.2173C>T (p.Arg725Trp) variant has been reported in women affected with or at-risk for breast cancer (PMID: 24894818 (2014), 30262796 (2018)). The frequency of this variant in the general population, 0.0015 (54/35406 chromosomes in Latino/Admixed American subpopulation), is higher than would generally be expected for pathogenic variants in this gene. Analysis of this variant using bioinformatics tools for the prediction of the effect of amino acid changes on protein structure and function yielded predictions that this variant is damaging. Based on the available information, we are unable to determine the clinical significance of this variant.

Ambry Genetics
Classification: Likely benign for Hereditary cancer-predisposing syndrome. Last evaluated: 2021-10-18. Review status: criteria provided, single submitter. Criteria: Ambry Variant Classification Scheme 2023. Collection method: clinical testing. Allele origin: germline.

Literature cited by the submitters: PubMed 24894818 (cited by 4 submitters); PubMed 30262796 (cited by 3 submitters); PubMed 26787654 (cited by 3 submitters); PubMed 30765449 (cited by Quest Diagnostics Nichols Institute San Juan Capistrano and Ambry Genetics).